The following is an entry in ClinVar:

ClinVar aggregate classification (germline): Pathogenic (1 of 4 stars; one submission).

Conditions:
Familial thoracic aortic aneurysm and aortic dissection (TAAD). Also called: Thoracic aortic aneurysms and dissections. Identifiers: Orphanet 91387, MedGen C4707243, MONDO:0019625.

Submission:

Ambry Genetics
Classification: Pathogenic for Familial thoracic aortic aneurysm and aortic dissection. Last evaluated: 2015-12-25. Review status: criteria provided, single submitter. Criteria: Ambry Variant Classification Scheme 2023. Collection method: clinical testing. Allele origin: germline.
Comment: The p.C1223* pathogenic mutation (also known as c.3669T>A), located in coding exon 29 of the FBN1 gene, results from a T to A substitution at nucleotide position 3669. This changes the amino acid from a cysteine to a stop codon within coding exon 29. The majority of FBN1 mutations identified to date have involved the substitution or generation of cysteine residues within cbEGF domains (Vollbrandt T et al. J Biol Chem. 2004;279(31):32924-32931). Since premature stop codons are typically deleterious in nature, this alteration is interpreted as a disease-causing mutation (ACMG Recommendations for Standards for Interpretation and Reporting of Sequence Variations. Revision 2007. Genet Med. 2008;10:294).

NM_000138.5(FBN1):c.3669T>A (p.Cys1223Ter)

Gene: FBN1 (fibrillin 1; minus strand). Cytogenetic location: 15q21.1.
Variant type: single nucleotide variant.
Coding change: c.3669T>A on transcript NM_000138.5 (MANE Select); coding-DNA position 3669, T replaced by A.
Protein change: p.Cys1223Ter; replaces cysteine 1223 with a stop codon.
Molecular consequence: nonsense.
Genome position (GRCh38, 1-based): chr15:48,485,417, A>T on the plus strand (T>A on the coding strand, the complement: FBN1 is on the minus strand). VCF-style: chr15-48485417-A-T. GRCh37 (hg19) VCF-style: chr15-48777614-A-T.
Other names: short protein forms C1223*.
Identifiers: ClinVar variation 264578 (VCV000264578.5), dbSNP rs886039196, ClinGen allele CA10587833.